The following is an entry in ClinVar:

ClinVar aggregate classification (germline): Benign (1 of 4 stars; one submission).

gnomAD v4.1: 3,160 of 1,604,836 alleles (0.2%); highest among the groups gnomAD compares: East Asian, 1.1%; 17 homozygotes.

Submission:

CeGaT Center for Human Genetics Tuebingen
Classification: Benign. Last evaluated: 2026-07-01. Review status: criteria provided, single submitter. Criteria: CeGaT Center For Human Genetics Tuebingen Variant Classification Criteria Version 2. Collection method: clinical testing. Allele origin: germline. Affected: yes. Observed: 2 variant alleles.
Comment: FCGR2B: BP4, BS1, BS2

NM_001394477.1(FCGR2B):c.614A>T (p.Tyr205Phe)

Gene: FCGR2B (Fc gamma receptor IIb; plus strand). Cytogenetic location: 1q23.3.
Variant type: single nucleotide variant.
Coding change: c.614A>T on transcript NM_001394477.1 (MANE Select); coding-DNA position 614, A replaced by T.
Protein change: p.Tyr205Phe; replaces tyrosine 205 with phenylalanine.
Molecular consequence: missense variant. On other transcripts: non-coding transcript variant (1).
Genome position (GRCh38, 1-based): chr1:161,673,197, A>T. VCF-style: chr1-161673197-A-T. GRCh37 (hg19) VCF-style: chr1-161642987-A-T.
Other names: c.611A>T, p.Tyr204Phe (NM_001002273.3, NM_001002275.3); c.614A>T, p.Tyr205Phe (NM_001002274.3, NM_001386003.1, NM_001386005.1 and 1 more transcripts); c.593A>T, p.Tyr198Phe (NM_001190828.2, NM_001386001.1, NM_001386006.1); c.590A>T, p.Tyr197Phe (NM_001386000.1, NM_001386002.1, NM_001386004.1); short protein forms Y197F, Y198F, Y204F, Y205F.
Identifiers: ClinVar variation 3387964 (VCV003387964.14).